The following is an entry in ClinVar:

ClinVar aggregate classification (germline): Likely pathogenic (1 of 4 stars; one submission).

Conditions:
Syndromic X-linked intellectual disability Najm type (MICPCH). Also called: MICPCH SYNDROME; Intellectual developmental disorder and microcephaly with pontine and cerebellar hypoplasia; Intellectual Disability and Microcephaly with Pontine and Cerebellar Hypoplasia; Mental retardation and microcephaly with pontine and cerebellar hypoplasia; MENTAL RETARDATION, X-LINKED, SYNDROMIC, NAJM TYPE; Intellectual Disability and Microcephaly with Pontine and Cerebellar Hypoplasia (MICPCH). Identifiers: Orphanet 163937, MedGen C2677903, MONDO:0010417, OMIM 300749.

Submission:

Ozbek Human Genetics Laboratory, Izmir Biomedicine and Genome Center
Classification: Likely pathogenic for Syndromic X-linked intellectual disability Najm type. Last evaluated: 2025-10-20. Review status: criteria provided, single submitter. Criteria: ACMG Guidelines, 2015. Collection method: research. Allele origin: de novo. Inheritance: X-linked inheritance. Affected: yes. Observed: 1 hemizygote.
Comment: Dysmorphic features included long palpebral fissures, epicanthal folds, prominent philtrum, and micrognathia, while MRI showed brainstem hypoplasia and cerebellar atrophy. Data obtained via the RAREBOOST project (Horizon 2020 ERA Chairs at Izmir Biomedicine and Genome Center - IBG)

NM_001367721.1(CASK):c.1944del (p.Ile649fs)

Gene: CASK (calcium/calmodulin dependent serine protein kinase; minus strand). Cytogenetic location: Xp11.4.
Variant type: Deletion.
Coding change: c.1944del on transcript NM_001367721.1 (MANE Select); coding-DNA position 1944, one base deleted (T; older notation c.1944delT).
Protein change: p.Ile649fs; shifts the reading frame from isoleucine 649.
Molecular consequence: frameshift variant.
Genome position (GRCh38, 1-based): chrX:41,553,814, A deleted on the plus strand (T on the coding strand, the reverse complement: CASK is on the minus strand); the first of 2 consecutive A bases (chrX:41,553,814-41,553,815); deleting either gives the same sequence. VCF-style (leftmost placement, unchanged base first): chrX-41553813-TA-T. GRCh37 (hg19) VCF-style: chrX-41413066-TA-T.
Other names: c.1875del, p.Ile626fs (NM_001126054.3); c.1857del, p.Ile620fs (NM_001126055.3); c.1926del, p.Ile643fs (NM_001410745.1); c.1944del, p.Ile649fs (NM_003688.4); short protein forms I620fs, I626fs, I643fs, I649fs.
Identifiers: ClinVar variation 4755410 (VCV004755410.1).